The following is an entry in ClinVar:

NM_000292.3(PHKA2):c.1127C>T (p.Pro376Leu)

Gene: PHKA2 (phosphorylase kinase regulatory subunit alpha 2; minus strand). Cytogenetic location: Xp22.13.
Variant type: single nucleotide variant.
Coding change: c.1127C>T on transcript NM_000292.3 (MANE Select); coding-DNA position 1127, C replaced by T.
Protein change: p.Pro376Leu; replaces proline 376 with leucine.
Molecular consequence: missense variant.
Genome position (GRCh38, 1-based): chrX:18,936,065, G>A on the plus strand (C>T on the coding strand, the complement: PHKA2 is on the minus strand). VCF-style: chrX-18936065-G-A. GRCh37 (hg19) VCF-style: chrX-18954183-G-A.
Other names: short protein forms P376L.
Identifiers: ClinVar variation 559014 (VCV000559014.8), dbSNP rs753157066, ClinGen allele CA10361977.
Genomic context (GRCh38, chrX:18,936,065, plus strand): 5'-TCACTTATTTCTAGATAAGCGGTGCAAAGGGCCCTCTGCCACTGGGTTACCTTGTTAGGC[G>A]GGACAGCGTAGAGTTCAGGCACCAGGCGGATCCCATTCTTGCCTCTGATGAGTATTCCCT-3'
Protein context (NP_000283.1, residues 366-386): IRLVPELYAV[Pro376Leu]PNKVDEEYKN

ClinVar aggregate classification (germline): Uncertain significance. Review status: criteria provided, multiple submitters, no conflicts (2 of 4 stars). 3 submissions from 3 submitters: Uncertain significance (2). 1 of the submissions does not count toward it. Last evaluated 2025-04-29.

Conditions:
Glycogen storage disease IXa1. Also called: GLYCOGEN STORAGE DISEASE VIII; GSD VIII; Glycogen storage disease 8; LIVER GLYCOGENOSIS, X-LINKED, TYPE I. Identifiers: Orphanet 264580, MedGen C3694531, MONDO:0010598, OMIM 306000.

Allele frequency attached by ClinVar (database versions not stated): ExAC 0.00001; gnomAD 0.00003; gnomAD exomes 0.00006 and 0.00001; TOPMed 0.00005.
gnomAD v4.1: 18 of 1,198,492 alleles (0.0015%); highest among the groups gnomAD compares: Admixed American, 0.033%; no homozygotes.

Submissions (3):

Dasa
Classification: Uncertain significance for Glycogen storage disease IXa1. Last evaluated: 2025-04-29. Review status: criteria provided, single submitter. Criteria: DASA Assertion Criteria. Collection method: clinical testing. Allele origin: germline.
Comment: NM_000292.3(PHKA2):c.1127C>T (p.Pro376Leu) is a missense variant that results in the substitution of proline with leucine. This variant is rare in population databases. Computational prediction algorithms are consistent with a deleterious effect. The currently available literature and clinical evidence are not sufficient to establish a definitive association between this variant and the reported condition. Therefore, this variant is classified as a variant of uncertain significance.

Women's Health and Genetics/Laboratory Corporation of America, LabCorp
Classification: Uncertain significance. Last evaluated: 2024-10-18. Review status: criteria provided, single submitter. Criteria: LabCorp Variant Classification Summary - May 2015. Collection method: clinical testing. Allele origin: germline.
Comment: Variant summary: PHKA2 c.1127C>T (p.Pro376Leu) results in a non-conservative amino acid change located in the GH15-like domain (IPR011613) of the encoded protein sequence. Four of five in-silico tools predict a damaging effect of the variant on protein function. The variant allele was found at a frequency of 6e-05 in 182331 control chromosomes. This frequency is not significantly higher than estimated for a pathogenic variant in PHKA2 causing Glycogen Phosphorylase Kinase Deficiency (6e-05 vs 0.00079), allowing no conclusion about variant significance. To our knowledge, no occurrence of c.1127C>T in individuals affected with Glycogen Phosphorylase Kinase Deficiency and no experimental evidence demonstrating its impact on protein function have been reported. ClinVar contains an entry for this variant (Variation ID: 559014). Based on the evidence outlined above, the variant was classified as uncertain significance.

Mayo Clinic Laboratories, Mayo Clinic
Classification: Uncertain significance. Last evaluated: 2018-03-23. Review status: no assertion criteria provided. Collection method: clinical testing. Allele origin: unknown. Not counted in ClinVar's aggregate classification.